The following is an entry in ClinVar:

ClinVar aggregate classification (germline): Benign/Likely benign. Review status: criteria provided, single submitter (1 of 4 stars). 3 submissions from 1 submitter: Benign (2); Likely benign (1). Last evaluated 2018-01-13.

Conditions:
Nephrotic syndrome, type 4 (NPHS4). Also called: Familial mesangial sclerosis; Nephrotic syndrome, early onset with diffuse mesangial sclerosis. Identifiers: Orphanet 656, MedGen C3151568, MONDO:0009733, OMIM 256370.
Meacham syndrome. Also called: Meacham Winn Culler syndrome. Identifiers: Orphanet 3097, MedGen C1837026, MONDO:0012164, OMIM 608978.
Wilms tumor 1 (WT1). Also called: Wilms tumor, somatic. Identifiers: Orphanet 654, MedGen CN033288, MONDO:0008679, OMIM 194070.

Allele frequency attached by ClinVar (database versions not stated): 1000 Genomes Project 30x 0.00078; 1000 Genomes Project 0.00080; TOPMed 0.00232; gnomAD exomes 0.00266.
gnomAD v4.1: 494 of 233,246 alleles (0.21%); highest among the groups gnomAD compares: Middle Eastern, 4%; 5 homozygotes.

Submissions (3):

Illumina Laboratory Services, Illumina
Classification: Benign for Meacham syndrome. Last evaluated: 2018-01-13. Review status: criteria provided, single submitter. Criteria: ICSL Variant Classification Criteria 13 December 2019. Collection method: clinical testing. Allele origin: germline.
Comment: This variant was observed in the ICSL laboratory as part of a predisposition screen in an ostensibly healthy population. It had not been previously curated by ICSL or reported in the Human Gene Mutation Database (HGMD: prior to June 1st, 2018), and was therefore a candidate for classification through an automated scoring system. Utilizing variant allele frequency, disease prevalence and penetrance estimates, and inheritance mode, an automated score was calculated to assess if this variant is too frequent to cause the disease. Based on the score and internal cut-off values, a variant classified as benign is not then subjected to further curation. The score for this variant resulted in a classification of benign for this disease.

Illumina Laboratory Services, Illumina
Classification: Likely benign for Nephrotic syndrome, type 4. Last evaluated: 2018-01-13. Review status: criteria provided, single submitter. Criteria: ICSL Variant Classification Criteria 13 December 2019. Collection method: clinical testing. Allele origin: germline.
Comment: This variant was observed in the ICSL laboratory as part of a predisposition screen in an ostensibly healthy population. It had not been previously curated by ICSL or reported in the Human Gene Mutation Database (HGMD: prior to June 1st, 2018), and was therefore a candidate for classification through an automated scoring system. Utilizing variant allele frequency, disease prevalence and penetrance estimates, and inheritance mode, an automated score was calculated to assess if this variant is too frequent to cause the disease. Based on the score and internal cut-off values, a variant classified as likely benign is not then subjected to further curation. The score for this variant resulted in a classification of likely benign for this disease.

Illumina Laboratory Services, Illumina
Classification: Benign for Wilms tumor 1. Last evaluated: 2018-01-13. Review status: criteria provided, single submitter. Criteria: ICSL Variant Classification Criteria 13 December 2019. Collection method: clinical testing. Allele origin: germline.
Comment: the same text as in the submission from Illumina Laboratory Services, Illumina above.

NM_024426.6(WT1):c.*1239T>A

Gene: WT1 (WT1 transcription factor; minus strand). Cytogenetic location: 11p13.
Variant type: single nucleotide variant.
Coding change: c.*1239T>A on transcript NM_024426.6 (MANE Select); 1239 bases downstream of the stop codon, T replaced by A.
Molecular consequence: 3 prime UTR variant. On other transcripts: non-coding transcript variant (1).
Genome position (GRCh38, 1-based): chr11:32,387,819, A>T on the plus strand (T>A on the coding strand, the complement: WT1 is on the minus strand). VCF-style: chr11-32387819-A-T. GRCh37 (hg19) VCF-style: chr11-32409365-A-T.
Other names: c.*1239T>A (NM_000378.6, NM_001198551.2, NM_001198552.2 and 11 more transcripts).
Identifiers: ClinVar variation 304370 (VCV000304370.6), dbSNP rs534396876, ClinGen allele CA10634634.